The following is an entry in ClinVar:

NM_001394062.1(MACF1):c.11162A>G (p.Glu3721Gly)

Gene: MACF1 (microtubule actin crosslinking factor 1; plus strand). Cytogenetic location: 1p34.3.
Variant type: single nucleotide variant.
Coding change: c.11162A>G on transcript NM_001394062.1 (MANE Select); coding-DNA position 11162, A replaced by G.
Protein change: p.Glu3721Gly; replaces glutamic acid 3721 with glycine.
Molecular consequence: missense variant.
Genome position (GRCh38, 1-based): chr1:39,350,981, A>G. VCF-style: chr1-39350981-A-G. GRCh37 (hg19) VCF-style: chr1-39816653-A-G.
Other names: c.4976A>G, p.Glu1659Gly (NM_012090.5); short protein forms E1659G, E3721G.
Identifiers: ClinVar variation 4711981 (VCV004711981.1).
Genomic context (GRCh38, chr1:39,350,981, plus strand): 5'-CTAAGGAGCAATATGAGGCGCTCCAGGAAGAGACACGTGTGGCCCAGAAGGAACTGGAGG[A>G]AGCAGTGACCTCCGCCTTACAGCAGGAGACTGAAAAGGTAATAGACTGCTATGACGCTTG-3'
Protein context (NP_001380991.1, residues 3711-3731): ETRVAQKELE[Glu3721Gly]AVTSALQQET

ClinVar aggregate classification (germline): Uncertain significance (1 of 4 stars; one submission).

gnomAD v4.1: 1 of 1,613,996 alleles (0.000062%); highest among the groups gnomAD compares: Admixed American, 0.0017%; no homozygotes.

Submission:

Labcorp Genetics (formerly Invitae), Labcorp
Classification: Uncertain significance. Last evaluated: 2025-11-10. Review status: criteria provided, single submitter. Criteria: Invitae Variant Classification Sherloc (09022015). Collection method: clinical testing. Allele origin: germline.
Comment: This sequence change replaces glutamic acid, which is acidic and polar, with glycine, which is neutral and non-polar, at codon 1659 of the MACF1 protein (p.Glu1659Gly). This variant is present in population databases (no rsID available, gnomAD no frequency). This variant has not been reported in the literature in individuals affected with MACF1-related conditions. An algorithm developed to predict the effect of missense changes on protein structure and function (PolyPhen-2) suggests that this variant is likely to be tolerated. In summary, the available evidence is currently insufficient to determine the role of this variant in disease. Therefore, it has been classified as a Variant of Uncertain Significance.